The following is an entry in ClinVar:

ClinVar aggregate classification (germline): Uncertain significance (1 of 4 stars; one submission).

Conditions:
Congenital contractural arachnodactyly (CCA). Also called: Beals-Hecht syndrome; BEALS SYNDROME; Arthrogryposis, distal, type 9. Identifiers: Orphanet 115, MedGen C0220668, MONDO:0007363, OMIM 121050.

gnomAD v4.1: 3 of 1,613,606 alleles (0.00019%); highest among the groups gnomAD compares: Non-Finnish European, 0.00025%; no homozygotes.

Submission:

Labcorp Genetics (formerly Invitae), Labcorp
Classification: Uncertain significance for Congenital contractural arachnodactyly. Last evaluated: 2024-02-05. Review status: criteria provided, single submitter. Criteria: Invitae Variant Classification Sherloc (09022015). Collection method: clinical testing. Allele origin: germline.
Comment: This sequence change replaces threonine, which is neutral and polar, with alanine, which is neutral and non-polar, at codon 494 of the FBN2 protein (p.Thr494Ala). This variant is present in population databases (rs200850552, gnomAD 0.0009%). This variant has not been reported in the literature in individuals affected with FBN2-related conditions. Advanced modeling of protein sequence and biophysical properties (such as structural, functional, and spatial information, amino acid conservation, physicochemical variation, residue mobility, and thermodynamic stability) performed at Invitae indicates that this missense variant is not expected to disrupt FBN2 protein function with a negative predictive value of 80%. In summary, the available evidence is currently insufficient to determine the role of this variant in disease. Therefore, it has been classified as a Variant of Uncertain Significance.

NM_001999.4(FBN2):c.1480A>G (p.Thr494Ala)

Gene: FBN2 (fibrillin 2; minus strand). Cytogenetic location: 5q23.3.
Variant type: single nucleotide variant.
Coding change: c.1480A>G on transcript NM_001999.4 (MANE Select); coding-DNA position 1480, A replaced by G.
Protein change: p.Thr494Ala; replaces threonine 494 with alanine.
Molecular consequence: missense variant.
Genome position (GRCh38, 1-based): chr5:128,392,141, T>C on the plus strand (A>G on the coding strand, the complement: FBN2 is on the minus strand). VCF-style: chr5-128392141-T-C. GRCh37 (hg19) VCF-style: chr5-127727834-T-C.
Other names: short protein forms T494A.
Identifiers: ClinVar variation 3702834 (VCV003702834.2).